The following is an entry in ClinVar:

ClinVar aggregate classification (germline): Uncertain significance. Review status: criteria provided, multiple submitters, no conflicts (2 of 4 stars). 2 submissions from 2 submitters: Uncertain significance (2). Last evaluated 2025-04-11.

Conditions:
Inborn genetic diseases. Identifiers: MedGen C0950123, MeSH D030342.
Gamma-aminobutyric acid transaminase deficiency (GABATD). Also called: GABA aminotransaminase deficiency; GABA transaminase deficiency; Gamma aminobutyrate transaminase deficiency; 4 alpha aminobutyrate transaminase deficiency. Identifiers: Orphanet 2066, MedGen C0342708, MONDO:0013166, OMIM 613163.

Allele frequency attached by ClinVar (database versions not stated): gnomAD exomes below 0.00001.
gnomAD v4.1: 2 of 1,614,106 alleles (0.00012%); highest among the groups gnomAD compares: Non-Finnish European, 0.00017%; no homozygotes.

Submissions (2):

Ambry Genetics
Classification: Uncertain significance for Inborn genetic diseases. Last evaluated: 2025-04-11. Review status: criteria provided, single submitter. Criteria: Ambry Variant Classification Scheme 2023. Collection method: clinical testing. Allele origin: germline.

Labcorp Genetics (formerly Invitae), Labcorp
Classification: Uncertain significance for Gamma-aminobutyric acid transaminase deficiency. Last evaluated: 2021-11-22. Review status: criteria provided, single submitter. Criteria: Invitae Variant Classification Sherloc (09022015). Collection method: clinical testing. Allele origin: germline.
Comment: This variant is not present in population databases (gnomAD no frequency). This sequence change replaces glutamic acid, which is acidic and polar, with lysine, which is basic and polar, at codon 298 of the ABAT protein (p.Glu298Lys). This variant has not been reported in the literature in individuals affected with ABAT-related conditions. Algorithms developed to predict the effect of missense changes on protein structure and function are either unavailable or do not agree on the potential impact of this missense change (SIFT: "Deleterious"; PolyPhen-2: "Probably Damaging"; Align-GVGD: "Class C0"). In summary, the available evidence is currently insufficient to determine the role of this variant in disease. Therefore, it has been classified as a Variant of Uncertain Significance.

NM_020686.6(ABAT):c.892G>A (p.Glu298Lys)

Gene: ABAT (4-aminobutyrate aminotransferase; plus strand). Cytogenetic location: 16p13.2.
Variant type: single nucleotide variant.
Coding change: c.892G>A on transcript NM_020686.6 (MANE Select); coding-DNA position 892, G replaced by A.
Protein change: p.Glu298Lys; replaces glutamic acid 298 with lysine.
Molecular consequence: missense variant.
Genome position (GRCh38, 1-based): chr16:8,772,855, G>A. VCF-style: chr16-8772855-G-A. GRCh37 (hg19) VCF-style: chr16-8866712-G-A.
Other names: c.892G>A (NM_020686.5); c.892G>A, p.Glu298Lys (NM_000663.5, NM_001127448.2, NM_001386600.1 and 6 more transcripts); c.853G>A, p.Glu285Lys (NM_001386605.1); c.829G>A, p.Glu277Lys (NM_001386606.1, NM_001386607.1); c.799G>A, p.Glu267Lys (NM_001386608.1); c.757G>A, p.Glu253Lys (NM_001386610.1, NM_001386611.1); c.694G>A, p.Glu232Lys (NM_001386612.1, NM_001386613.1); c.646G>A, p.Glu216Lys (NM_001386614.1); and 1 more; short protein forms E277K, E285K, E298K, E330K, E232K, E216K, E253K, E267K.
Identifiers: ClinVar variation 1396626 (VCV001396626.6), dbSNP rs1443323102, ClinGen allele CA394689380.
Genomic context (GRCh38, chr16:8,772,855, plus strand): 5'-GTGAAATATCGGAAAAAGAAGAAGACGGTGGCCGGGATCATCGTGGAGCCCATCCAGTCC[G>A]AGGGTGGAGACAACCACGCATCCGATGACTTCTTTCGGAAGCTGAGAGACATCGCCAGGA-3'
Protein context (NP_065737.2, residues 288-308): AGIIVEPIQS[Glu298Lys]GGDNHASDDF